The following is an entry in ClinVar:

NM_000484.4(APP):c.2257CAG[1] (p.Gln754del)

Gene: APP (amyloid beta precursor protein; minus strand). Cytogenetic location: 21q21.3.
Variant type: Microsatellite.
Coding change: c.2257CAG[1] on transcript NM_000484.4 (MANE Select); one copy of the 3-base unit CAG starting at c.2257; the reference has two copies in a row; one copy, 3 bases deleted.
Protein change: p.Gln754del; deletes glutamine 754.
Molecular consequence: inframe deletion.
Genome position (GRCh38, 1-based): chr21:25,881,721-25,881,723, CTG deleted on the plus strand (CAG on the coding strand, the reverse complement: APP is on the minus strand); deleting any 3 consecutive bases within chr21:25,881,721-25,881,727 gives the same sequence; the position shown is the placement nearest the transcript's 3' end. VCF-style (leftmost placement, unchanged base first): chr21-25881720-TCTG-T. GRCh37 (hg19) VCF-style: chr21-27254031-TCTG-T.
Other names: c.2185CAG[1], p.Gln730del (NM_001136016.3); c.1864CAG[1], p.Gln623del (NM_001136129.3); c.2089CAG[1], p.Gln698del (NM_001136130.3, NM_001385253.1); c.1927CAG[1], p.Gln644del (NM_001136131.3); c.2203CAG[1], p.Gln736del (NM_001204301.2); c.2146CAG[1], p.Gln717del (NM_001204302.2); c.1978CAG[1], p.Gln661del (NM_001204303.2); c.2200CAG[1], p.Gln735del (NM_201413.3); and 1 more; short protein forms Q623del, Q661del, Q679del, Q644del, Q698del, Q754del, Q717del, Q735del.
Identifiers: ClinVar variation 4994228 (VCV004994228.1).

ClinVar aggregate classification (germline): Uncertain significance (1 of 4 stars; one submission).

Conditions:
APP-related disorder. Also called: APP-related condition.

Submission:

PreventionGenetics, part of Exact Sciences
Classification: Uncertain significance for APP-related condition. Last evaluated: 2026-09-09. Review status: criteria provided, single submitter. Criteria: ACMG Guidelines, 2015. Collection method: clinical testing. Allele origin: germline.
Comment: The APP c.2260_2262delCAG variant is predicted to result in an in-frame deletion (p.Gln754del). To our knowledge, this variant has not been reported in the literature or in a large population database (gnomAD), indicating this variant is rare. At this time, the clinical significance of this variant is uncertain due to the absence of conclusive functional and genetic evidence.